The following is an entry in ClinVar:

ClinVar aggregate classification (germline): Uncertain significance. Review status: criteria provided, multiple submitters, no conflicts (2 of 4 stars). 6 submissions from 6 submitters: Uncertain significance (4). 2 of the submissions do not count toward it. Last evaluated 2024-11-11.

Conditions:
Inborn genetic diseases. Identifiers: MedGen C0950123, MeSH D030342.
Senior-Loken syndrome 4 (SLSN4). Identifiers: Orphanet 3156, MedGen C1846979, MONDO:0011756, OMIM 606996.
Nephronophthisis 4 (NPHP4). Also called: NEPHRONOPHTHISIS 4, JUVENILE. Identifiers: Orphanet 655, MedGen C1847013, MONDO:0011752, OMIM 606966.
Nephronophthisis. Also called: Juvenile Nephronophthisis. Identifiers: Orphanet 655, MedGen C0687120, MONDO:0019005, HP:0000090.

Allele frequency attached by ClinVar (database versions not stated): ExAC 0.00005; ESP Exome Variant Server 0.00008; TOPMed 0.00009; gnomAD exomes 0.00010 and 0.00016; gnomAD 0.00014 and 0.00015.
gnomAD v4.1: 255 of 1,613,944 alleles (0.016%); highest among the groups gnomAD compares: Non-Finnish European, 0.02%; no homozygotes.

Submissions (6):

Blueprint Genetics
Classification: Uncertain significance. Last evaluated: 2024-11-11. Review status: criteria provided, single submitter. Criteria: ACMG Guidelines, 2015. Collection method: clinical testing. Allele origin: germline.

Labcorp Genetics (formerly Invitae), Labcorp
Classification: Uncertain significance for Nephronophthisis. Last evaluated: 2024-02-23. Review status: criteria provided, single submitter. Criteria: Invitae Variant Classification Sherloc (09022015). Collection method: clinical testing. Allele origin: germline.
Comment: This sequence change replaces valine, which is neutral and non-polar, with methionine, which is neutral and non-polar, at codon 1118 of the NPHP4 protein (p.Val1118Met). This variant is present in population databases (rs368703067, gnomAD 0.02%). This variant has not been reported in the literature in individuals affected with NPHP4-related conditions. ClinVar contains an entry for this variant (Variation ID: 1041307). Advanced modeling of protein sequence and biophysical properties (such as structural, functional, and spatial information, amino acid conservation, physicochemical variation, residue mobility, and thermodynamic stability) performed at Invitae indicates that this missense variant is not expected to disrupt NPHP4 protein function with a negative predictive value of 80%. In summary, the available evidence is currently insufficient to determine the role of this variant in disease. Therefore, it has been classified as a Variant of Uncertain Significance.

Fulgent Genetics
Classification: Uncertain significance for Nephronophthisis 4; Senior-Loken syndrome 4. Last evaluated: 2022-05-25. Review status: criteria provided, single submitter. Criteria: ACMG Guidelines, 2015. Collection method: clinical testing. Allele origin: unknown.

Ambry Genetics
Classification: Uncertain significance for Inborn genetic diseases. Last evaluated: 2022-04-07. Review status: criteria provided, single submitter. Criteria: Ambry Variant Classification Scheme 2023. Collection method: clinical testing. Allele origin: germline.

Clinical Genetics DNA and cytogenetics Diagnostics Lab, Erasmus MC, Erasmus Medical Center
Classification: Uncertain significance. Review status: no assertion criteria provided. Collection method: clinical testing. Allele origin: germline. Affected: yes. Study: VKGL Data-share Consensus. Not counted in ClinVar's aggregate classification.

Joint Genome Diagnostic Labs from Nijmegen and Maastricht, Radboudumc and MUMC+
Classification: Uncertain significance. Review status: no assertion criteria provided. Collection method: clinical testing. Allele origin: germline. Affected: yes. Study: VKGL Data-share Consensus. Not counted in ClinVar's aggregate classification.

NM_015102.5(NPHP4):c.3352G>A (p.Val1118Met)

Gene: NPHP4 (nephrocystin 4; minus strand). Cytogenetic location: 1p36.31.
Variant type: single nucleotide variant.
Coding change: c.3352G>A on transcript NM_015102.5 (MANE Select); coding-DNA position 3352, G replaced by A.
Protein change: p.Val1118Met; replaces valine 1118 with methionine.
Molecular consequence: missense variant. On other transcripts: non-coding transcript variant (1).
Genome position (GRCh38, 1-based): chr1:5,867,860, C>T on the plus strand (G>A on the coding strand, the complement: NPHP4 is on the minus strand). VCF-style: chr1-5867860-C-T. GRCh37 (hg19) VCF-style: chr1-5927920-C-T.
Other names: c.1813G>A, p.Val605Met (NM_001291593.2); c.1816G>A, p.Val606Met (NM_001291594.2); c.3352G>A (NM_015102.3); short protein forms V605M, V606M, V1118M.
Identifiers: ClinVar variation 1041307 (VCV001041307.12), dbSNP rs368703067, ClinGen allele CA553644.
Genomic context (GRCh38, chr1:5,867,860, plus strand): 5'-GATAGAAGCGGAAGACCTGGTCCACCACGTGGGGCTGCAGCTCCACAGTCAGGCAGAGCA[C>T]GGCGATGGGCTTGCCACCACTCGCTCGGAACAAGACCTGTGAGGAGGCCACGCTGAGTGT-3'
Protein context (NP_055917.1, residues 1108-1128): FRASGGKPIA[Val1118Met]LCLTVELQPH